The following is an entry in ClinVar:

ClinVar aggregate classification (germline): Likely benign. Review status: criteria provided, multiple submitters, no conflicts (2 of 4 stars). 2 submissions from 2 submitters: Likely benign (2). Last evaluated 2023-01-20.

Conditions:
POLD1-related polyposis and colorectal cancer syndrome (CRCS10). Also called: Colorectal cancer, susceptibility to, 10; Colorectal cancer 10; COLORECTAL CANCER, SUSCEPTIBILITY TO, ON CHROMOSOME 19q. Identifiers: Orphanet 220460, MedGen C2675481, MONDO:0012953, OMIM 612591.

Allele frequency attached by ClinVar (database versions not stated): gnomAD exomes below 0.00001.

Submissions (2):

Labcorp Genetics (formerly Invitae), Labcorp
Classification: Likely benign for POLD1-related polyposis and colorectal cancer syndrome. Last evaluated: 2023-01-20. Review status: criteria provided, single submitter. Criteria: Invitae Variant Classification Sherloc (09022015). Collection method: clinical testing. Allele origin: germline.

GeneDx
Classification: Likely benign. Last evaluated: 2016-09-06. Review status: criteria provided, single submitter. Criteria: GeneDx Variant Classification (06012015). Collection method: clinical testing. Allele origin: germline. Affected: yes.
Comment: This variant is considered likely benign or benign based on one or more of the following criteria: it is a conservative change, it occurs at a poorly conserved position in the protein, it is predicted to be benign by multiple in silico algorithms, and/or has population frequency not consistent with disease.

NM_002691.4(POLD1):c.3219-20G>A

Gene: POLD1 (DNA polymerase delta 1, catalytic subunit; plus strand). Cytogenetic location: 19q13.33.
Variant type: single nucleotide variant.
Coding change: c.3219-20G>A on transcript NM_002691.4 (MANE Select); 20 bases into the intron before coding-DNA position 3219, G replaced by A.
Molecular consequence: intron variant.
Genome position (GRCh38, 1-based): chr19:50,417,822, G>A. VCF-style: chr19-50417822-G-A. GRCh37 (hg19) VCF-style: chr19-50921079-G-A.
Other names: c.3219-20G>A (LRG_785t1, NM_001256849.1); c.3297-20G>A (LRG_785t2, NM_001308632.1).
Identifiers: ClinVar variation 389169 (VCV000389169.4), dbSNP rs1057523348, ClinGen allele CA16608380.